The following is an entry in ClinVar:

ClinVar aggregate classification (germline): Pathogenic (1 of 4 stars; one submission).

Conditions:
Cardiovascular phenotype. Identifiers: MedGen CN230736.
Hereditary cancer-predisposing syndrome. Also called: Tumor predisposition; Hereditary neoplastic syndrome; Neoplastic Syndromes, Hereditary; Hereditary Cancer Syndrome. Identifiers: Orphanet 140162, MedGen C0027672, MeSH D009386, MONDO:0015356.

Submission:

Ambry Genetics
Classification: Pathogenic for Cardiovascular phenotype; Hereditary cancer-predisposing syndrome. Last evaluated: 2025-03-25. Review status: criteria provided, single submitter. Criteria: Ambry Variant Classification Scheme 2023. Collection method: clinical testing. Allele origin: germline.
Comment: The c.5910_5916delTATTCAA pathogenic mutation, located in coding exon 39 of the NF1 gene, results from a deletion of 7 nucleotides at nucleotide positions 5910 to 5916, causing a translational frameshift with a predicted alternate stop codon (p.I1971Qfs*18). This variant is considered to be rare based on population cohorts in the Genome Aggregation Database (gnomAD). This alteration is expected to result in loss of function by premature protein truncation or nonsense-mediated mRNA decay. As such, this alteration is interpreted as a disease-causing mutation.

NM_001042492.3(NF1):c.5973_5979del (p.Ile1992fs)

Gene: NF1 (neurofibromin 1; plus strand). Cytogenetic location: 17q11.2.
Variant type: Deletion.
Coding change: c.5973_5979del on transcript NM_001042492.3 (MANE Select); coding-DNA positions 5973 to 5979, 7 bases deleted (TATTCAA; older notation c.5973_5979delTATTCAA).
Protein change: p.Ile1992fs; shifts the reading frame from isoleucine 1992.
Molecular consequence: frameshift variant.
Genome position (GRCh38, 1-based): chr17:31,334,998-31,335,004, TATTCAA deleted. VCF-style (leftmost placement, unchanged base first): chr17-31334997-CTATTCAA-C. GRCh37 (hg19) VCF-style: chr17-29662015-CTATTCAA-C.
Other names: c.5910_5916delTATTCAA (NM_000267.3); c.5910_5916delTATTCAA, p.Ile1971Glnfs (NM_000267.4); short protein forms I1971fs, I1992fs.
Identifiers: ClinVar variation 4013299 (VCV004013299.1).